The following is an entry in ClinVar:

ClinVar aggregate classification (germline): Uncertain significance (1 of 4 stars; one submission).

Submission:

Laboratory for Molecular Medicine, Mass General Brigham Personalized Medicine
Classification: Uncertain significance. Last evaluated: 2016-09-28. Review status: criteria provided, single submitter. Criteria: LMM Criteria. Collection method: clinical testing. Allele origin: germline. Observed: 2 variant alleles.
Comment: The p.Met2054Lys variant in NF1 has not been previously reported in individuals with Neurofibromatosis type 1, and was absent from large population studies. Thi s variant has now been identified by our laboratory as a homozygous variant in t wo siblings from Kuwait with clinical features of a RASopathy disorder (LMM data ). Computational prediction tools and conservation analysis suggest that the var iant may impact the protein, though this information is not predictive enough to determine pathogenicity. In summary, the clinical significance of the p.Met2054 Lys variant is uncertain.

NM_001042492.3(NF1):c.6161T>A (p.Met2054Lys)

Gene: NF1 (neurofibromin 1; plus strand). Cytogenetic location: 17q11.2.
Variant type: single nucleotide variant.
Coding change: c.6161T>A on transcript NM_001042492.3 (MANE Select); coding-DNA position 6161, T replaced by A.
Protein change: p.Met2054Lys; replaces methionine 2054 with lysine.
Molecular consequence: missense variant.
Genome position (GRCh38, 1-based): chr17:31,336,648, T>A. VCF-style: chr17-31336648-T-A. GRCh37 (hg19) VCF-style: chr17-29663666-T-A.
Other names: c.6098T>A, p.Met2033Lys (NM_000267.4); short protein forms M2033K, M2054K.
Identifiers: ClinVar variation 505226 (VCV000505226.5), dbSNP rs1555534665, ClinGen allele CA399011721.